The following is an entry in ClinVar:

NM_001377334.1(PIK3C2B):c.2773-7G>A

Gene: PIK3C2B (phosphatidylinositol-4-phosphate 3-kinase catalytic subunit type 2 beta; minus strand). Cytogenetic location: 1q32.1.
Variant type: single nucleotide variant.
Coding change: c.2773-7G>A on transcript NM_001377334.1 (MANE Select); 7 bases into the intron before coding-DNA position 2773, G replaced by A.
Molecular consequence: intron variant.
Genome position (GRCh38, 1-based): chr1:204,444,169, C>T on the plus strand (G>A on the coding strand, the complement: PIK3C2B is on the minus strand). VCF-style: chr1-204444169-C-T. GRCh37 (hg19) VCF-style: chr1-204413297-C-T.
Other names: NC_000001.10:g.204413297C>T; c.2689-7G>A (NM_001377335.1); c.2773-7G>A (NM_002646.4).
Identifiers: ClinVar variation 3060789 (VCV003060789.3), dbSNP rs2292459, ClinGen allele CA1347584.

ClinVar aggregate classification (germline): Benign (0 of 4 stars; one submission).

Conditions:
PIK3C2B-related disorder. Also called: PIK3C2B-related condition.

Allele frequency attached by ClinVar (database versions not stated): ESP Exome Variant Server 0.71052; gnomAD 0.69455; gnomAD exomes 0.78488; 1000 Genomes Project 0.61082; ExAC 0.72863; 1000 Genomes Project 30x 0.61305; TOPMed 0.69485.
gnomAD v4.1: 1,243,076 of 1,602,572 alleles (78%); highest among the groups gnomAD compares: Non-Finnish European, 81%; 489,087 homozygotes.

Submissions (2):

PreventionGenetics, part of Exact Sciences
Classification: Benign for PIK3C2B-related condition. Last evaluated: 2019-08-02. Review status: no assertion criteria provided. Collection method: clinical testing. Allele origin: germline.
Comment: This variant is classified as benign based on ACMG/AMP sequence variant interpretation guidelines (Richards et al. 2015 PMID: 25741868, with internal and published modifications).

Dr. Peter K. Rogan Lab, Western University
No classification provided (evidence only). Condition: Hepatocellular carcinoma. Review status: no classification provided. Collection method: in vitro. Allele origin: not applicable. Functional consequence: retained intron. Not counted in ClinVar's aggregate classification.